The following is an entry in ClinVar:

ClinVar aggregate classification (germline): Uncertain significance (1 of 4 stars; one submission).

gnomAD v4.1: 1 of 1,613,724 alleles (0.000062%); highest among the groups gnomAD compares: Non-Finnish European, 0.000085%; no homozygotes.

Submission:

GeneDx
Classification: Uncertain significance. Last evaluated: 2024-12-18. Review status: criteria provided, single submitter. Criteria: GeneDx Variant Classification Process June 2021. Collection method: clinical testing. Allele origin: germline. Affected: yes.
Comment: Not observed at significant frequency in large population cohorts (gnomAD); In silico analysis indicates that this missense variant does not alter protein structure/function; Has not been previously published as pathogenic or benign to our knowledge

NM_016111.4(TELO2):c.53C>T (p.Ala18Val)

Gene: TELO2 (telomere maintenance 2; plus strand). Cytogenetic location: 16p13.3.
Variant type: single nucleotide variant.
Coding change: c.53C>T on transcript NM_016111.4 (MANE Select); coding-DNA position 53, C replaced by T.
Protein change: p.Ala18Val; replaces alanine 18 with valine.
Molecular consequence: missense variant.
Genome position (GRCh38, 1-based): chr16:1,494,334, C>T. VCF-style: chr16-1494334-C-T. GRCh37 (hg19) VCF-style: chr16-1544335-C-T.
Other names: c.53C>T, p.Ala18Val (NM_001351846.2); short protein forms A18V.
Identifiers: ClinVar variation 3906682 (VCV003906682.1).